The following is an entry in ClinVar:

ClinVar aggregate classification (germline): Uncertain significance (1 of 4 stars; one submission).

Conditions:
KIF1A-related disorder. Also called: KIF1A-related disorders; KIF1A-related condition.

Submission:

PreventionGenetics, part of Exact Sciences
Classification: Uncertain significance for KIF1A-related condition. Last evaluated: 2023-07-12. Review status: criteria provided, single submitter. Criteria: ACMG Guidelines, 2015. Collection method: clinical testing. Allele origin: germline.
Comment: The KIF1A c.5027T>A variant is predicted to result in the amino acid substitution p.Ile1676Asn. To our knowledge, this variant has not been reported in the literature or in a large population database, indicating this variant is rare. At this time, the clinical significance of this variant is uncertain due to the absence of conclusive functional and genetic evidence.

NM_001244008.2(KIF1A):c.5027T>A (p.Ile1676Asn)

Gene: KIF1A (kinesin family member 1A; minus strand). Cytogenetic location: 2q37.3.
Variant type: single nucleotide variant.
Coding change: c.5027T>A on transcript NM_001244008.2 (MANE Select); coding-DNA position 5027, T replaced by A.
Protein change: p.Ile1676Asn; replaces isoleucine 1676 with asparagine.
Molecular consequence: missense variant.
Genome position (GRCh38, 1-based): chr2:240,719,193, A>T on the plus strand (T>A on the coding strand, the complement: KIF1A is on the minus strand). VCF-style: chr2-240719193-A-T. GRCh37 (hg19) VCF-style: chr2-241658610-A-T.
Other names: c.4751T>A, p.Ile1584Asn (NM_001320705.2, NM_001379649.1); c.4778T>A, p.Ile1593Asn (NM_001330289.2); c.4826T>A, p.Ile1609Asn (NM_001330290.2, NM_001379648.1); c.5102T>A, p.Ile1701Asn (NM_001379631.1); c.5003T>A, p.Ile1668Asn (NM_001379632.1); c.5000T>A, p.Ile1667Asn (NM_001379633.1, NM_001379645.1); c.4853T>A, p.Ile1618Asn (NM_001379634.1); c.4850T>A, p.Ile1617Asn (NM_001379635.1, NM_001379646.1); and 7 more; short protein forms I1574N, I1575N, I1583N, I1584N, I1592N, I1593N, I1600N, I1609N.
Identifiers: ClinVar variation 2632427 (VCV002632427.1), dbSNP rs372664825, ClinGen allele CA351299056.